The following is an entry in ClinVar:

ClinVar aggregate classification (germline): Benign/Likely benign. Review status: criteria provided, multiple submitters, no conflicts (2 of 4 stars). 4 submissions from 4 submitters: Benign (3); Likely benign (1). Last evaluated 2026-01-19.

Conditions:
Isolated focal non-epidermolytic palmoplantar keratoderma. Also called: Palmoplantar keratoderma, nonepidermolytic, focal 2. Identifiers: Orphanet 448264, MedGen C4225339, MONDO:0014622, OMIM 616400.
Olmsted syndrome 1. Identifiers: Orphanet 659, MedGen C5542829, MONDO:0100296, OMIM 614594.

Allele frequency attached by ClinVar (database versions not stated): gnomAD exomes 0.00062 and 0.00176; ExAC 0.00213; gnomAD 0.00671 and 0.00712; ESP Exome Variant Server 0.00677; 1000 Genomes Project 0.00679; 1000 Genomes Project 30x 0.00765; TOPMed 0.00795.
gnomAD v4.1: 1,964 of 1,614,084 alleles (0.12%); highest among the groups gnomAD compares: African/African-American, 2.2%; 24 homozygotes.

Submissions (4):

Labcorp Genetics (formerly Invitae), Labcorp
Classification: Benign. Last evaluated: 2026-01-19. Review status: criteria provided, single submitter. Criteria: Invitae Variant Classification Sherloc (09022015). Collection method: clinical testing. Allele origin: germline.

Fulgent Genetics
Classification: Likely benign for Olmsted syndrome 1; Isolated focal non-epidermolytic palmoplantar keratoderma. Last evaluated: 2022-05-11. Review status: criteria provided, single submitter. Criteria: ACMG Guidelines, 2015. Collection method: clinical testing. Allele origin: unknown.

Illumina Laboratory Services, Illumina
Classification: Benign for Isolated focal non-epidermolytic palmoplantar keratoderma. Last evaluated: 2018-01-12. Review status: criteria provided, single submitter. Criteria: ICSL Variant Classification Criteria 13 December 2019. Collection method: clinical testing. Allele origin: germline.
Comment: This variant was observed in the ICSL laboratory as part of a predisposition screen in an ostensibly healthy population. It had not been previously curated by ICSL or reported in the Human Gene Mutation Database (HGMD: prior to June 1st, 2018), and was therefore a candidate for classification through an automated scoring system. Utilizing variant allele frequency, disease prevalence and penetrance estimates, and inheritance mode, an automated score was calculated to assess if this variant is too frequent to cause the disease. Based on the score and internal cut-off values, a variant classified as benign is not then subjected to further curation. The score for this variant resulted in a classification of benign for this disease.

Breakthrough Genomics
Classification: Benign. Review status: criteria provided, single submitter. Criteria: ACMG Guidelines, 2015. Collection method: not provided. Allele origin: germline. Inheritance: Autosomal dominant inheritance. Affected: yes.

NM_145068.4(TRPV3):c.2321C>T (p.Thr774Ile)

Gene: TRPV3 (transient receptor potential cation channel subfamily V member 3; minus strand). Cytogenetic location: 17p13.2.
Variant type: single nucleotide variant.
Coding change: c.2321C>T on transcript NM_145068.4 (MANE Select); coding-DNA position 2321, C replaced by T.
Protein change: p.Thr774Ile; replaces threonine 774 with isoleucine.
Molecular consequence: missense variant.
Genome position (GRCh38, 1-based): chr17:3,513,969, G>A on the plus strand (C>T on the coding strand, the complement: TRPV3 is on the minus strand). VCF-style: chr17-3513969-G-A. GRCh37 (hg19) VCF-style: chr17-3417263-G-A.
Other names: c.2324C>T, p.Thr775Ile (NM_001258205.2); short protein forms T774I, T775I.
Identifiers: ClinVar variation 322753 (VCV000322753.16), dbSNP rs7212634, ClinGen allele CA8289109.